The following is an entry in ClinVar:

ClinVar aggregate classification (germline): Pathogenic (1 of 4 stars; one submission).

Submission:

Labcorp Genetics (formerly Invitae), Labcorp
Classification: Pathogenic. Last evaluated: 2022-06-05. Review status: criteria provided, single submitter. Criteria: Invitae Variant Classification Sherloc (09022015). Collection method: clinical testing. Allele origin: germline.
Comment: This sequence change creates a premature translational stop signal (p.Arg1486Glyfs*66) in the COL4A4 gene. It is expected to result in an absent or disrupted protein product. Loss-of-function variants in COL4A4 are known to be pathogenic (PMID: 21196518, 24854265, 25307543). This variant is not present in population databases (gnomAD no frequency). This variant has not been reported in the literature in individuals affected with COL4A4-related conditions. ClinVar contains an entry for this variant (Variation ID: 1457714). For these reasons, this variant has been classified as Pathogenic.

Literature cited by the submitters: PubMed 21196518; PubMed 24854265; PubMed 25307543.

NM_000092.5(COL4A4):c.4456del (p.Arg1486fs)

Gene: COL4A4 (collagen type IV alpha 4 chain; minus strand). Cytogenetic location: 2q36.3.
Variant type: Deletion.
Coding change: c.4456del on transcript NM_000092.5 (MANE Select); coding-DNA position 4456, one base deleted (A; older notation c.4456delA).
Protein change: p.Arg1486fs; shifts the reading frame from arginine 1486.
Molecular consequence: frameshift variant.
Genome position (GRCh38, 1-based): chr2:227,010,379, T deleted on the plus strand (A on the coding strand, the reverse complement: COL4A4 is on the minus strand). VCF-style (leftmost placement, unchanged base first): chr2-227010378-CT-C. GRCh37 (hg19) VCF-style: chr2-227875094-CT-C.
Other names: short protein forms R1486fs.
Identifiers: ClinVar variation 1457714 (VCV001457714.6), dbSNP rs2149744042, ClinGen allele CA2573135363.